The following is an entry in ClinVar:

ClinVar aggregate classification (germline): Uncertain significance. Review status: criteria provided, multiple submitters, no conflicts (2 of 4 stars). 2 submissions from 2 submitters: Uncertain significance (2). Last evaluated 2023-09-27.

Conditions:
Marfan syndrome (MFS). Also called: MARFAN SYNDROME, TYPE I; FBN1-Related Marfan Syndrome; Marfan syndrome type 1; Marfan's syndrome; Marfan syndrome, classic. Identifiers: Orphanet 284963, Orphanet 558, MedGen C0024796, MONDO:0007947, OMIM 154700.
Familial thoracic aortic aneurysm and aortic dissection (TAAD). Also called: Thoracic aortic aneurysms and dissections. Identifiers: Orphanet 91387, MedGen C4707243, MONDO:0019625.

Submissions (2):

Labcorp Genetics (formerly Invitae), Labcorp
Classification: Uncertain significance for Marfan syndrome; Familial thoracic aortic aneurysm and aortic dissection. Last evaluated: 2023-09-27. Review status: criteria provided, single submitter. Criteria: Invitae Variant Classification Sherloc (09022015). Collection method: clinical testing. Allele origin: germline.
Comment: In summary, the available evidence is currently insufficient to determine the role of this variant in disease. Therefore, it has been classified as a Variant of Uncertain Significance. Advanced modeling of protein sequence and biophysical properties (such as structural, functional, and spatial information, amino acid conservation, physicochemical variation, residue mobility, and thermodynamic stability) performed at Invitae indicates that this missense variant is expected to disrupt FBN1 protein function. ClinVar contains an entry for this variant (Variation ID: 451090). This missense change has been observed in individual(s) with clinical features of FBN1-related condtions (Invitae). This variant is not present in population databases (gnomAD no frequency). This sequence change replaces proline, which is neutral and non-polar, with histidine, which is basic and polar, at codon 695 of the FBN1 protein (p.Pro695His).

GeneDx
Classification: Uncertain significance. Last evaluated: 2017-08-09. Review status: criteria provided, single submitter. Criteria: GeneDx Variant Classification (06012015). Collection method: clinical testing. Allele origin: germline. Affected: yes.
Comment: The P695H variant in the FBN1 gene has not been reported previously as a pathogenic variant, nor as a benign variant, to our knowledge. This variant is not observed in large population cohorts (Lek et al., 2016; 1000 Genomes Consortium et al., 2015; Exome Variant Server). The P695H variant is a non-conservative amino acid substitution, which is likely to impact secondary protein structure as these residues differ in polarity, charge, size and/or other properties. In addition, this substitution occurs at a position that is conserved across species, and in silico analysis predicts this variant is probably damaging to the protein structure/function. We interpret P695H as a variant of uncertain significance.

NM_000138.5(FBN1):c.2084C>A (p.Pro695His)

Gene: FBN1 (fibrillin 1; minus strand). Cytogenetic location: 15q21.1.
Variant type: single nucleotide variant.
Coding change: c.2084C>A on transcript NM_000138.5 (MANE Select); coding-DNA position 2084, C replaced by A.
Protein change: p.Pro695His; replaces proline 695 with histidine.
Molecular consequence: missense variant.
Genome position (GRCh38, 1-based): chr15:48,503,816, G>T on the plus strand (C>A on the coding strand, the complement: FBN1 is on the minus strand). VCF-style: chr15-48503816-G-T. GRCh37 (hg19) VCF-style: chr15-48796013-G-T.
Other names: short protein forms P695H.
Identifiers: ClinVar variation 451090 (VCV000451090.5), dbSNP rs1555399754, ClinGen allele CA392338061.
Genomic context (GRCh38, chr15:48,503,816, plus strand): 5'-AGTACGAGGGCATCTCCATGATACCACATACCTGAATTCTGTGCAGGACACGGCTGGCAA[G>T]GTTCCCCAAATGCATACTCAGTGCTGGCGCAACAGCATTCAGATTTAGTGACAGCACCAA-3'
Protein context (NP_000129.3, residues 685-705): CASTEYAFGE[Pro695His]CQPCPAQNSA